The following is an entry in ClinVar:

ClinVar aggregate classification (germline): Uncertain significance (1 of 4 stars; one submission).

Submission:

Labcorp Genetics (formerly Invitae), Labcorp
Classification: Uncertain significance. Last evaluated: 2022-11-26. Review status: criteria provided, single submitter. Criteria: Invitae Variant Classification Sherloc (09022015). Collection method: clinical testing. Allele origin: germline.
Comment: This sequence change replaces tryptophan, which is neutral and slightly polar, with cysteine, which is neutral and slightly polar, at codon 227 of the GSN protein (p.Trp227Cys). This variant is not present in population databases (gnomAD no frequency). This variant has not been reported in the literature in individuals affected with GSN-related conditions. Advanced modeling of protein sequence and biophysical properties (such as structural, functional, and spatial information, amino acid conservation, physicochemical variation, residue mobility, and thermodynamic stability) performed at Invitae indicates that this missense variant is expected to disrupt GSN protein function. In summary, the available evidence is currently insufficient to determine the role of this variant in disease. Therefore, it has been classified as a Variant of Uncertain Significance.

NM_198252.3(GSN):c.528G>T (p.Trp176Cys)

Gene: GSN (gelsolin; plus strand). Cytogenetic location: 9q33.2.
Variant type: single nucleotide variant.
Coding change: c.528G>T on transcript NM_198252.3 (MANE Select); coding-DNA position 528, G replaced by T.
Protein change: p.Trp176Cys; replaces tryptophan 176 with cysteine.
Molecular consequence: missense variant. On other transcripts: 5 prime UTR variant (1).
Genome position (GRCh38, 1-based): chr9:121,312,353, G>T. VCF-style: chr9-121312353-G-T. GRCh37 (hg19) VCF-style: chr9-124074631-G-T.
Other names: c.681G>T, p.Trp227Cys (NM_000177.5); c.528G>T, p.Trp176Cys (NM_001127662.2, NM_001127664.2, NM_001127665.2 and 10 more transcripts); c.636G>T, p.Trp212Cys (NM_001127663.2); c.561G>T, p.Trp187Cys (NM_001127666.2, NM_001127667.2, NM_001353063.2 and 13 more transcripts); c.579G>T, p.Trp193Cys (NM_001258029.2); c.552G>T, p.Trp184Cys (NM_001258030.2); c.600G>T, p.Trp200Cys (NM_001353076.2); c.-127G>T (NM_001353078.2); short protein forms W200C, W212C, W184C, W176C, W187C, W193C, W227C.
Identifiers: ClinVar variation 2816776 (VCV002816776.3), dbSNP rs772654323, ClinGen allele CA374740361.